The following is an entry in ClinVar:

NM_177965.4(CFAP418):c.251A>C (p.Lys84Thr)

Gene: CFAP418 (cilia and flagella associated protein 418; minus strand). Cytogenetic location: 8q22.1.
Variant type: single nucleotide variant.
Coding change: c.251A>C on transcript NM_177965.4 (MANE Select); coding-DNA position 251, A replaced by C.
Protein change: p.Lys84Thr; replaces lysine 84 with threonine.
Molecular consequence: missense variant.
Genome position (GRCh38, 1-based): chr8:95,260,525, T>G on the plus strand (A>C on the coding strand, the complement: CFAP418 is on the minus strand). VCF-style: chr8-95260525-T-G. GRCh37 (hg19) VCF-style: chr8-96272753-T-G.
Other names: c.251A>C (NM_177965.3); c.251A>C, p.Lys84Thr (NM_001363260.1); short protein forms K84T.
Identifiers: ClinVar variation 1976786 (VCV001976786.6), dbSNP rs1811870016, ClinGen allele CA371837480.
Genomic context (GRCh38, chr8:95,260,525, plus strand): 5'-TACCTTTTACCAAGGCCTTCAATGGAAGCTCTGACAGATGTGTTACCTGAAGATTTAGAT[T>G]TTAATTTCTGTTAAAAAAGCAAAACAATAAAAGGCCATGAGTAACTTAGAAAACTGTAAC-3'
Protein context (NP_808880.1, residues 74-94): PNLDKKPSKL[Lys84Thr]SKSSGNTSVR

ClinVar aggregate classification (germline): Uncertain significance. Review status: criteria provided, multiple submitters, no conflicts (2 of 4 stars). 2 submissions from 2 submitters: Uncertain significance (2). Last evaluated 2025-10-30.

Conditions:
CFAP418-related disorder. Also called: CFAP418-related condition.

Allele frequency attached by ClinVar (database versions not stated): gnomAD exomes below 0.00001.
gnomAD v4.1: 2 of 1,580,068 alleles (0.00013%); highest among the groups gnomAD compares: Non-Finnish European, 0.00017%; no homozygotes.

Submissions (2):

PreventionGenetics, part of Exact Sciences
Classification: Uncertain significance for CFAP418-related condition. Last evaluated: 2025-10-30. Review status: criteria provided, single submitter. Criteria: ACMG Guidelines, 2015. Collection method: clinical testing. Allele origin: germline.
Comment: The CFAP418 c.251A>C variant is predicted to result in the amino acid substitution p.Lys84Thr. To our knowledge, this variant has not been reported in the literature or in a large population database (gnomAD), indicating this variant is rare. At this time, the clinical significance of this variant is uncertain due to the absence of conclusive functional and genetic evidence.

Labcorp Genetics (formerly Invitae), Labcorp
Classification: Uncertain significance. Last evaluated: 2022-06-24. Review status: criteria provided, single submitter. Criteria: Invitae Variant Classification Sherloc (09022015). Collection method: clinical testing. Allele origin: germline.
Comment: This sequence change replaces lysine, which is basic and polar, with threonine, which is neutral and polar, at codon 84 of the C8orf37 protein (p.Lys84Thr). This variant is not present in population databases (gnomAD no frequency). This variant has not been reported in the literature in individuals affected with C8orf37-related conditions. Algorithms developed to predict the effect of missense changes on protein structure and function are either unavailable or do not agree on the potential impact of this missense change (SIFT: "Deleterious"; PolyPhen-2: "Possibly Damaging"; Align-GVGD: "Class C0"). In summary, the available evidence is currently insufficient to determine the role of this variant in disease. Therefore, it has been classified as a Variant of Uncertain Significance.